The following is an entry in ClinVar:

ClinVar aggregate classification (germline): Uncertain significance. Review status: criteria provided, single submitter (1 of 4 stars). 2 submissions from 2 submitters: Uncertain significance (1). 1 of the submissions does not count toward it. Last evaluated 2022-06-20.

Conditions:
Cardiomyopathy (CMYO). Also called: Cardiomyopathies. Identifiers: Orphanet 167848, MedGen C0878544, MONDO:0004994, HP:0001638. Inheritance: Various modes of inheritance.
Dystrophin deficiency.
Duchenne muscular dystrophy (DMD). Also called: MUSCULAR DYSTROPHY, PSEUDOHYPERTROPHIC PROGRESSIVE, DUCHENNE TYPE; Duchenne Muscular Dystrophy (DMD). Identifiers: Orphanet 98896, MedGen C0013264, MONDO:0010679, OMIM 310200.
Becker muscular dystrophy (BMD). Also called: Becker Muscular Dystrophy (BMD); MUSCULAR DYSTROPHY, PSEUDOHYPERTROPHIC PROGRESSIVE, BECKER TYPE. Identifiers: Orphanet 98895, MedGen C0917713, MONDO:0010311, OMIM 300376.

Allele frequency attached by ClinVar (database versions not stated): ExAC 0.00001; gnomAD exomes 0.00001; ESP Exome Variant Server 0.00009.
gnomAD v4.1: 1 of 1,208,999 alleles (0.000083%); highest among the groups gnomAD compares: Non-Finnish European, 0.00011%; no homozygotes.

Submissions (2):

Labcorp Genetics (formerly Invitae), Labcorp
Classification: Uncertain significance for Duchenne muscular dystrophy. Last evaluated: 2022-06-20. Review status: criteria provided, single submitter. Criteria: Invitae Variant Classification Sherloc (09022015). Collection method: clinical testing. Allele origin: germline.
Comment: In summary, the available evidence is currently insufficient to determine the role of this variant in disease. Therefore, it has been classified as a Variant of Uncertain Significance. Algorithms developed to predict the effect of missense changes on protein structure and function are either unavailable or do not agree on the potential impact of this missense change (SIFT: "Deleterious"; PolyPhen-2: "Possibly Damaging"; Align-GVGD: "Class C0"). ClinVar contains an entry for this variant (Variation ID: 1063912). This variant has not been reported in the literature in individuals affected with DMD-related conditions. The frequency data for this variant in the population databases is considered unreliable, as metrics indicate poor data quality at this position in the gnomAD database. This sequence change replaces leucine, which is neutral and non-polar, with phenylalanine, which is neutral and non-polar, at codon 2936 of the DMD protein (p.Leu2936Phe).

Natera, Inc.
Classification: Uncertain significance for Becker muscular dystrophy; Cardiomyopathy; Duchenne muscular dystrophy; Dystrophin deficiency. Last evaluated: 2020-04-22. Review status: no assertion criteria provided. Collection method: clinical testing. Allele origin: germline. Not counted in ClinVar's aggregate classification.

NM_004006.3(DMD):c.8806C>T (p.Leu2936Phe)

Gene: DMD (dystrophin; minus strand). Cytogenetic location: Xp21.2.
Variant type: single nucleotide variant.
Coding change: c.8806C>T on transcript NM_004006.3 (MANE Select); coding-DNA position 8806, C replaced by T.
Protein change: p.Leu2936Phe; replaces leucine 2936 with phenylalanine.
Molecular consequence: missense variant.
Genome position (GRCh38, 1-based): chrX:31,478,237, G>A on the plus strand (C>T on the coding strand, the complement: DMD is on the minus strand). VCF-style: chrX-31478237-G-A. GRCh37 (hg19) VCF-style: chrX-31496354-G-A.
Other names: c.8782C>T, p.Leu2928Phe (NM_000109.4); c.8794C>T, p.Leu2932Phe (NM_004009.3); c.8437C>T, p.Leu2813Phe (NM_004010.3); c.4783C>T, p.Leu1595Phe (NM_004011.4); c.4774C>T, p.Leu1592Phe (NM_004012.4); c.1426C>T, p.Leu476Phe (NM_004013.3, NM_004020.4, NM_004021.3 and 2 more transcripts); c.619C>T, p.Leu207Phe (NM_004014.3); short protein forms L1592F, L1595F, L207F, L2813F, L2928F, L2932F, L2936F, L476F.
Identifiers: ClinVar variation 1063912 (VCV001063912.10), dbSNP rs146517753, ClinGen allele CA10377986.